The following is an entry in ClinVar:

NM_152703.5(SAMD9L):c.221A>G (p.Lys74Arg)

Gene: SAMD9L (sterile alpha motif domain containing 9 like; minus strand). Cytogenetic location: 7q21.2.
Variant type: single nucleotide variant.
Coding change: c.221A>G on transcript NM_152703.5 (MANE Select); coding-DNA position 221, A replaced by G.
Protein change: p.Lys74Arg; replaces lysine 74 with arginine.
Molecular consequence: missense variant.
Genome position (GRCh38, 1-based): chr7:93,135,751, T>C on the plus strand (A>G on the coding strand, the complement: SAMD9L is on the minus strand). VCF-style: chr7-93135751-T-C. GRCh37 (hg19) VCF-style: chr7-92765064-T-C.
Other names: c.221A>G, p.Lys74Arg (NM_001303496.3, NM_001303497.3, NM_001303498.3 and 5 more transcripts); short protein forms K74R.
Identifiers: ClinVar variation 4630010 (VCV004630010.1).

ClinVar aggregate classification (germline): Uncertain significance (1 of 4 stars; one submission).

Conditions:
Inborn genetic diseases. Identifiers: MedGen C0950123, MeSH D030342.

Submission:

Ambry Genetics
Classification: Uncertain significance for Inborn genetic diseases. Last evaluated: 2025-09-20. Review status: criteria provided, single submitter. Criteria: Ambry Variant Classification Scheme 2023. Collection method: clinical testing. Allele origin: germline.
Comment: The p.K74R variant (also known as c.221A>G), located in coding exon 1 of the SAMD9L gene, results from an A to G substitution at nucleotide position 221. The lysine at codon 74 is replaced by arginine, an amino acid with highly similar properties. This amino acid position is conserved. In addition, this alteration is predicted to be tolerated by in silico analysis. Based on the available evidence, the clinical significance of this variant remains unclear.